The following is an entry in ClinVar:

ClinVar aggregate classification (germline): Uncertain significance. Review status: criteria provided, multiple submitters, no conflicts (2 of 4 stars). 2 submissions from 2 submitters: Uncertain significance (2). Last evaluated 2024-05-30.

Conditions:
POLD1-related polyposis and colorectal cancer syndrome (CRCS10). Also called: Colorectal cancer, susceptibility to, 10; Colorectal cancer 10; COLORECTAL CANCER, SUSCEPTIBILITY TO, ON CHROMOSOME 19q. Identifiers: Orphanet 220460, MedGen C2675481, MONDO:0012953, OMIM 612591.
Hereditary cancer-predisposing syndrome. Also called: Hereditary Cancer Syndrome; Hereditary neoplastic syndrome; Neoplastic Syndromes, Hereditary; Tumor predisposition. Identifiers: Orphanet 140162, MedGen C0027672, MeSH D009386, MONDO:0015356.

Submissions (2):

Labcorp Genetics (formerly Invitae), Labcorp
Classification: Uncertain significance for POLD1-related polyposis and colorectal cancer syndrome. Last evaluated: 2024-05-30. Review status: criteria provided, single submitter. Criteria: Invitae Variant Classification Sherloc (09022015). Collection method: clinical testing. Allele origin: germline.
Comment: This sequence change replaces proline, which is neutral and non-polar, with serine, which is neutral and polar, at codon 146 of the POLD1 protein (p.Pro146Ser). This variant is not present in population databases (gnomAD no frequency). This variant has not been reported in the literature in individuals affected with POLD1-related conditions. ClinVar contains an entry for this variant (Variation ID: 2560440). Advanced modeling of protein sequence and biophysical properties (such as structural, functional, and spatial information, amino acid conservation, physicochemical variation, residue mobility, and thermodynamic stability) performed at Invitae indicates that this missense variant is not expected to disrupt POLD1 protein function with a negative predictive value of 80%. In summary, the available evidence is currently insufficient to determine the role of this variant in disease. Therefore, it has been classified as a Variant of Uncertain Significance.

Ambry Genetics
Classification: Uncertain significance for Hereditary cancer-predisposing syndrome. Last evaluated: 2023-03-29. Review status: criteria provided, single submitter. Criteria: Ambry Variant Classification Scheme 2023. Collection method: clinical testing. Allele origin: germline.
Comment: The p.P146S variant (also known as c.436C>T), located in coding exon 3 of the POLD1 gene, results from a C to T substitution at nucleotide position 436. The proline at codon 146 is replaced by serine, an amino acid with similar properties. This amino acid position is conserved. In addition, the in silico prediction for this alteration is inconclusive. Since supporting evidence is limited at this time, the clinical significance of this alteration remains unclear.

NM_002691.4(POLD1):c.436C>T (p.Pro146Ser)

Gene: POLD1 (DNA polymerase delta 1, catalytic subunit; plus strand). Cytogenetic location: 19q13.33.
Variant type: single nucleotide variant.
Coding change: c.436C>T on transcript NM_002691.4 (MANE Select); coding-DNA position 436, C replaced by T.
Protein change: p.Pro146Ser; replaces proline 146 with serine.
Molecular consequence: missense variant. On other transcripts: non-coding transcript variant (1).
Genome position (GRCh38, 1-based): chr19:50,401,897, C>T. VCF-style: chr19-50401897-C-T. GRCh37 (hg19) VCF-style: chr19-50905154-C-T.
Other names: c.436C>T, p.Pro146Ser (NM_001256849.1, NM_001308632.1); short protein forms P146S.
Identifiers: ClinVar variation 2560440 (VCV002560440.4), dbSNP rs2038650909, ClinGen allele CA406972669.
Genomic context (GRCh38, chr19:50,401,897, plus strand): 5'-CGCGCCTTCGGGGTCACCGATGAGGGGTTCTCTGTCTGCTGCCACATCCACGGCTTCGCT[C>T]CCTACTTCTACACCCCAGCGCCCCCTGGTGAGTGGCCCCTACCCAGCCCCTCCCTGAGCC-3'
Protein context (NP_002682.2, residues 136-156): SVCCHIHGFA[Pro146Ser]YFYTPAPPGF